The following is an entry in ClinVar:

NM_001267550.2(TTN):c.12358C>T (p.Gln4120Ter)

Gene: TTN (titin; minus strand). Cytogenetic location: 2q31.2.
Variant type: single nucleotide variant.
Coding change: c.12358C>T on transcript NM_001267550.2 (MANE Select); coding-DNA position 12358, C replaced by T.
Protein change: p.Gln4120Ter; replaces glutamine 4120 with a stop codon.
Molecular consequence: nonsense. On other transcripts: intron variant (1).
Genome position (GRCh38, 1-based): chr2:178,740,875, G>A on the plus strand (C>T on the coding strand, the complement: TTN is on the minus strand). VCF-style: chr2-178740875-G-A. GRCh37 (hg19) VCF-style: chr2-179605602-G-A.
Other names: c.11407C>T, p.Gln3803Ter (NM_001256850.1); c.11269C>T, p.Gln3757Ter (NM_003319.4); c.11644C>T, p.Gln3882Ter (NM_133432.3); c.11845C>T, p.Gln3949Ter (NM_133437.4); c.10361-2515C>T (NM_133378.4); short protein forms Q4120*, Q3803*, Q3882*, Q3949*, Q3757*.
Identifiers: ClinVar variation 570055 (VCV000570055.9), dbSNP rs746184552, ClinGen allele CA2002729.

ClinVar aggregate classification (germline): Likely pathogenic (1 of 4 stars; one submission).

Conditions:
Dilated cardiomyopathy 1G (CMD1G). Identifiers: Orphanet 154, MedGen C1858763, MONDO:0011400, OMIM 604145.
Autosomal recessive limb-girdle muscular dystrophy type 2J (LGMDR10). Also called: Limb-girdle muscular dystrophy, type 2J; MUSCULAR DYSTROPHY, LIMB-GIRDLE, AUTOSOMAL RECESSIVE 10. Identifiers: Orphanet 140922, MedGen C1837342, MONDO:0012127, OMIM 608807.

Allele frequency attached by ClinVar (database versions not stated): gnomAD exomes below 0.00001; ExAC 0.00001.
gnomAD v4.1: 2 of 1,613,866 alleles (0.00012%); highest among the groups gnomAD compares: South Asian, 0.0022%; no homozygotes.

Submission:

Labcorp Genetics (formerly Invitae), Labcorp
Classification: Likely pathogenic for Dilated cardiomyopathy 1G; Autosomal recessive limb-girdle muscular dystrophy type 2J. Last evaluated: 2024-10-18. Review status: criteria provided, single submitter. Criteria: Invitae Variant Classification Sherloc (09022015). Collection method: clinical testing. Allele origin: germline.
Comment: This sequence change creates a premature translational stop signal (p.Gln4120*) in the TTN gene. While this is not anticipated to result in nonsense mediated decay, it is expected to create a truncated TTN protein. This variant is present in population databases (rs746184552, gnomAD 0.003%). This variant has not been observed in the literature in individuals with autosomal recessive TTN-related conditions. This variant has been reported in individual(s) with autosomal dominant dilated cardiomyopathy (PMID: 27532257, 37652022); however, the role of the variant in this condition is currently unclear. ClinVar contains an entry for this variant (Variation ID: 570055). This variant is located in the I band of TTN (PMID: 25589632). Truncating variants in this region have been reported in individuals affected with autosomal recessive centronuclear myopathy (PMID: 23975875, internal data). Truncating variants in this region have also been identified in individuals affected with autosomal dominant dilated cardiomyopathy and/or cardio-related conditions (PMID: 27869827, 32964742, internal data). In summary, the currently available evidence indicates that the variant is pathogenic, but additional data are needed to prove that conclusively. Therefore, this variant has been classified as Likely Pathogenic.

Literature cited by the submitters: PubMed 27532257; PubMed 37652022; PubMed 25589632; PubMed 23975875; PubMed 27869827; PubMed 32964742.